The following is an entry in ClinVar:

ClinVar aggregate classification (germline): Uncertain significance (1 of 4 stars; one submission).

Submission:

CeGaT Center for Human Genetics Tuebingen
Classification: Uncertain significance. Last evaluated: 2025-01-01. Review status: criteria provided, single submitter. Criteria: CeGaT Center For Human Genetics Tuebingen Variant Classification Criteria Version 2. Collection method: clinical testing. Allele origin: germline. Affected: yes. Observed: 1 variant allele.
Comment: KMT2D: PM2, PM4, PS2:Supporting

NM_003482.4(KMT2D):c.15232_15252dup (p.Leu5084_His5085insMetAsnValGluValAlaLeu)

Gene: KMT2D (lysine methyltransferase 2D; minus strand). Cytogenetic location: 12q13.12.
Variant type: Duplication.
Coding change: c.15232_15252dup on transcript NM_003482.4 (MANE Select); coding-DNA positions 15232 to 15252, 21 bases duplicated (ATGAATGTGGAGGTTGCCCTG).
Protein change: p.Leu5084_His5085insMetAsnValGluValAlaLeu.
Genome position (GRCh38, 1-based): chr12:49,026,714-49,026,734, CAGGGCAACCTCCACATTCAT duplicated on the plus strand (ATGAATGTGGAGGTTGCCCTG on the coding strand, the reverse complement: KMT2D is on the minus strand); duplicating any 21 consecutive bases within chr12:49,026,714-49,026,737 gives the same sequence; the c. name uses the placement nearest the transcript's 3' end. VCF-style (leftmost placement, unchanged base first): chr12-49026713-G-GCAGGGCAACCTCCACATTCAT. GRCh37 (hg19) VCF-style: chr12-49420496-G-GCAGGGCAACCTCCACATTCAT.
Identifiers: ClinVar variation 3772233 (VCV003772233.13).
Genomic context (GRCh38, chr12:49,026,713, plus strand): 5'-TGCAGCTGCTGGTGGCACCAGTTCGCTGGCACAGGGAGCACTTGGTTAGCAGTCCTCGGT[G>GCAGGGCAACCTCCACATTCAT]CAGGGCAACCTCCACATTCATCAGTGCCCCGCCCTGGGTCTCATACACCTCCGTGGACCA-3'